The following is an entry in ClinVar:

NM_004329.3(BMPR1A):c.1371T>C (p.Tyr457=)

Gene: BMPR1A (bone morphogenetic protein receptor type 1A; plus strand). Cytogenetic location: 10q23.2.
Variant type: single nucleotide variant.
Coding change: c.1371T>C on transcript NM_004329.3 (MANE Select); coding-DNA position 1371, T replaced by C.
Protein change: p.Tyr457=; no amino-acid change (tyrosine 457 retained).
Molecular consequence: synonymous variant.
Genome position (GRCh38, 1-based): chr10:86,923,404, T>C. VCF-style: chr10-86923404-T-C. GRCh37 (hg19) VCF-style: chr10-88683161-T-C.
Identifiers: ClinVar variation 779818 (VCV000779818.18), dbSNP rs1484956301, ClinGen allele CA470308541.

ClinVar aggregate classification (germline): Benign/Likely benign. Review status: criteria provided, multiple submitters, no conflicts (2 of 4 stars). 5 submissions from 5 submitters: Benign (1); Likely benign (4). Last evaluated 2025-10-23.

Conditions:
Hereditary cancer-predisposing syndrome. Also called: Neoplastic Syndromes, Hereditary; Hereditary neoplastic syndrome; Tumor predisposition; Hereditary Cancer Syndrome. Identifiers: Orphanet 140162, MedGen C0027672, MeSH D009386, MONDO:0015356.
Juvenile polyposis syndrome (JPS). Identifiers: Orphanet 2929, MedGen C0345893, MONDO:0017380, OMIM 174900.

Allele frequency attached by ClinVar (database versions not stated): gnomAD exomes below 0.00001; gnomAD 0.00001; TOPMed 0.00001.
gnomAD v4.1: 5 of 1,614,100 alleles (0.00031%); highest among the groups gnomAD compares: Middle Eastern, 0.016%; no homozygotes.

Submissions (5):

Labcorp Genetics (formerly Invitae), Labcorp
Classification: Likely benign for Juvenile polyposis syndrome. Last evaluated: 2025-10-23. Review status: criteria provided, single submitter. Criteria: Invitae Variant Classification Sherloc (09022015). Collection method: clinical testing. Allele origin: germline.

Myriad Genetics, Inc.
Classification: Benign for Juvenile polyposis syndrome. Last evaluated: 2024-08-07. Review status: criteria provided, single submitter. Criteria: Myriad Autosomal Dominant, Autosomal Recessive and X-Linked Classification Criteria (2023). Collection method: clinical testing. Allele origin: unknown.
Comment: This variant is considered benign. This variant is a silent/synonymous amino acid change and it is not expected to impact splicing.

Women's Health and Genetics/Laboratory Corporation of America, LabCorp
Classification: Likely benign. Last evaluated: 2021-05-02. Review status: criteria provided, single submitter. Criteria: LabCorp Variant Classification Summary - May 2015. Collection method: clinical testing. Allele origin: germline.

Ambry Genetics
Classification: Likely benign for Hereditary cancer-predisposing syndrome. Last evaluated: 2019-09-03. Review status: criteria provided, single submitter. Criteria: Ambry Variant Classification Scheme 2023. Collection method: clinical testing. Allele origin: germline.

Color Diagnostics, LLC DBA Color Health
Classification: Likely benign for Hereditary cancer-predisposing syndrome. Last evaluated: 2019-06-18. Review status: criteria provided, single submitter. Criteria: ACMG Guidelines, 2015. Collection method: clinical testing. Allele origin: germline.